The following is an entry in ClinVar:

NM_000268.4(NF2):c.675+1G>C

Gene: NF2 (NF2, moesin-ezrin-radixin like (MERLIN) tumor suppressor; plus strand). Cytogenetic location: 22q12.2.
Variant type: single nucleotide variant.
Coding change: c.675+1G>C on transcript NM_000268.4 (MANE Select); the canonical splice donor site of the intron after coding-DNA position 675, G replaced by C.
Molecular consequence: splice donor variant. On other transcripts: intron variant (1).
Genome position (GRCh38, 1-based): chr22:29,658,265, G>C. VCF-style: chr22-29658265-G-C. GRCh37 (hg19) VCF-style: chr22-30054254-G-C.
Other names: c.675+1G>C (NM_016418.5, NM_181832.3, NM_001407060.1 and 4 more transcripts); c.561+1G>C (NM_001407056.1, NM_001407053.1); c.444+1G>C (NM_001407067.1); c.141+1G>C (NM_001407065.1); c.447+15980G>C (NM_181833.3); c.552+1G>C (NM_001407058.1, NM_181829.3, NM_001407054.1 and 1 more transcripts); c.549+1G>C (NM_181828.3, NM_001407055.1); c.426+1G>C (NM_001407063.1, NM_181830.3, NM_001407064.1 and 1 more transcripts).
Identifiers: ClinVar variation 450205 (VCV000450205.2), dbSNP rs1555994854, ClinGen allele CA411143139.

ClinVar aggregate classification (germline): Pathogenic (1 of 4 stars; one submission).

Submission:

GeneDx
Classification: Pathogenic. Last evaluated: 2017-06-27. Review status: criteria provided, single submitter. Criteria: GeneDx Variant Classification (06012015). Collection method: clinical testing. Allele origin: germline. Affected: yes.
Comment: The c.675+1 G>C splice site variant in the NF2 gene destroys the canonical splice donor site in intron 7. It ispredicted to cause abnormal gene splicing, either leading to an abnormal message that is subject to nonsense-mediatedmRNA decay, or to an abnormal protein product if the message is used for protein translation. The c.675+1 G>Cvariant is not observed in large population cohorts (Lek et al., 2016; 1000 Genomes Consortium et al., 2015; ExomeVariant Server). Although this pathogenic variant has not been previously reported to our knowledge